The following is an entry in ClinVar:

NM_017791.3(FLVCR2):c.1509+1G>A

Gene: FLVCR2 (FLVCR choline and putative heme transporter 2; plus strand). Cytogenetic location: 14q24.3.
Variant type: single nucleotide variant.
Coding change: c.1509+1G>A on transcript NM_017791.3 (MANE Select); the canonical splice donor site of the intron after coding-DNA position 1509, G replaced by A.
Molecular consequence: splice donor variant.
Genome position (GRCh38, 1-based): chr14:75,641,899, G>A. VCF-style: chr14-75641899-G-A. GRCh37 (hg19) VCF-style: chr14-76108242-G-A.
Other names: NC_000014.8:g.76108242G>A; c.894+1G>A (NM_001195283.2).
Identifiers: ClinVar variation 4399389 (VCV004399389.2).

ClinVar aggregate classification (germline): Pathogenic (1 of 4 stars; one submission).

gnomAD v4.1: 8 of 1,613,702 alleles (0.0005%); highest among the groups gnomAD compares: South Asian, 0.0022%; no homozygotes.

Submissions (3):

GeneDx
Classification: Pathogenic. Last evaluated: 2025-06-11. Review status: criteria provided, single submitter. Criteria: GeneDx Variant Classification Process June 2021. Collection method: clinical testing. Allele origin: germline. Affected: yes.
Comment: Canonical splice site variant predicted to result in a null allele in a gene for which loss of function is a known mechanism of disease; Not observed at significant frequency in large population cohorts (gnomAD); Identified with a second FLVCR2 variant in a fetus with cystic hygroma, hydrops, hydranencephaly, and arthrogryposis who also had a homozygous frameshift variant in the TMEM67 gene (PMID: 30712878); This variant is associated with the following publications: (PMID: 30712878, 34411415)

Dr. Peter K. Rogan Lab, Western University
No classification provided (evidence only). Condition: Melanoma. Review status: no classification provided. Collection method: in vitro. Allele origin: not applicable. Functional consequence: skipped exon. Not counted in ClinVar's aggregate classification.

Dr. Peter K. Rogan Lab, Western University
No classification provided (evidence only). Condition: Cervical cancer. Review status: no classification provided. Collection method: in vitro. Allele origin: not applicable. Functional consequence: skipped exon. Not counted in ClinVar's aggregate classification.